The following is an entry in ClinVar:

NM_000092.5(COL4A4):c.4718C>T (p.Ala1573Val)

Gene: COL4A4 (collagen type IV alpha 4 chain; minus strand). Cytogenetic location: 2q36.3.
Variant type: single nucleotide variant.
Coding change: c.4718C>T on transcript NM_000092.5 (MANE Select); coding-DNA position 4718, C replaced by T.
Protein change: p.Ala1573Val; replaces alanine 1573 with valine.
Molecular consequence: missense variant.
Genome position (GRCh38, 1-based): chr2:227,008,109, G>A on the plus strand (C>T on the coding strand, the complement: COL4A4 is on the minus strand). VCF-style: chr2-227008109-G-A. GRCh37 (hg19) VCF-style: chr2-227872825-G-A.
Other names: short protein forms A1573V.
Identifiers: ClinVar variation 635545 (VCV000635545.8), dbSNP rs762613810, ClinGen allele CA2144086.
Genomic context (GRCh38, chr2:227,008,109, plus strand): 5'-CTCCAGGTCTGCGGACATGGGGGGATGGACTGGTCCTGGCTGTGCACCGCCACCGCCTGG[G>A]CCGGGGCCTCGCATACCGCACAGCGGCTGACATAGGGGCGGATCGCCTCTTCAGAGAGTG-3'
Protein context (NP_000083.3, residues 1563-1583): VSRCAVCEAP[Ala1573Val]QAVAVHSQDQ

ClinVar aggregate classification (germline): Uncertain significance. Review status: criteria provided, multiple submitters, no conflicts (2 of 4 stars). 4 submissions from 4 submitters: Uncertain significance (2). 2 of the submissions do not count toward it. Last evaluated 2024-04-29.

Conditions:
Autosomal recessive Alport syndrome (ATS2). Also called: Alport syndrome type 2; COL4A3-Related Nephropathy; COL4A4 Alport Syndrome and Thin Basement Membrane Nephropathy; ALPORT SYNDROME 2, AUTOSOMAL RECESSIVE. Identifiers: Orphanet 63, Orphanet 88919, MedGen C4746745, MONDO:0008762, OMIM 203780.
Hematuria, benign familial, 1 (BFH1). Also called: THIN MEMBRANE NEPHROPATHY. Identifiers: MedGen CN376803, MONDO:0007709, OMIM 141200.
Autosomal dominant Alport syndrome (ATS3A). Also called: ALPORT SYNDROME 3A, AUTOSOMAL DOMINANT; Alport syndrome dominant type; Renal failure and sensorineural hearing loss. Identifiers: Orphanet 63, Orphanet 88918, MedGen C5882663, MONDO:0007086, OMIM 104200.
COL4A4-related disorder.

Allele frequency attached by ClinVar (database versions not stated): gnomAD exomes 0.00002 and 0.00003; TOPMed 0.00002; ExAC 0.00004; gnomAD 0.00004.
gnomAD v4.1: 41 of 1,613,972 alleles (0.0025%); highest among the groups gnomAD compares: Admixed American, 0.005%; no homozygotes.

Submissions (4):

Labcorp Genetics (formerly Invitae), Labcorp
Classification: Uncertain significance. Last evaluated: 2024-04-29. Review status: criteria provided, single submitter. Criteria: Invitae Variant Classification Sherloc (09022015). Collection method: clinical testing. Allele origin: germline.
Comment: This sequence change replaces alanine, which is neutral and non-polar, with valine, which is neutral and non-polar, at codon 1573 of the COL4A4 protein (p.Ala1573Val). This variant is present in population databases (rs762613810, gnomAD 0.006%). This variant has not been reported in the literature in individuals affected with COL4A4-related conditions. ClinVar contains an entry for this variant (Variation ID: 635545). Advanced modeling of protein sequence and biophysical properties (such as structural, functional, and spatial information, amino acid conservation, physicochemical variation, residue mobility, and thermodynamic stability) performed at Invitae indicates that this missense variant is not expected to disrupt COL4A4 protein function with a negative predictive value of 95%. In summary, the available evidence is currently insufficient to determine the role of this variant in disease. Therefore, it has been classified as a Variant of Uncertain Significance.

Fulgent Genetics
Classification: Uncertain significance for Hematuria, benign familial, 1; Autosomal recessive Alport syndrome. Last evaluated: 2024-02-25. Review status: criteria provided, single submitter. Criteria: ACMG Guidelines, 2015. Collection method: clinical testing. Allele origin: germline.

PreventionGenetics, part of Exact Sciences
Classification: Uncertain significance for COL4A4-related condition. Last evaluated: 2024-09-18. Review status: no assertion criteria provided. Collection method: clinical testing. Allele origin: germline. Not counted in ClinVar's aggregate classification.
Comment: The COL4A4 c.4718C>T variant is predicted to result in the amino acid substitution p.Ala1573Val. This variant has been reported in the heterozygous state in an individual with Alport syndrome, although no other information was presented to support its pathogenicity (Topak et al 2023. PubMed ID: 37078890). This variant is reported in 0.0057% of alleles in individuals of Latino descent in gnomAD. At this time, the clinical significance of this variant is uncertain due to the absence of conclusive functional and genetic evidence.

Bioscientia Institut fuer Medizinische Diagnostik GmbH, Sonic Healthcare
Classification: Uncertain significance for Autosomal dominant Alport syndrome. Last evaluated: 2019-01-16. Review status: no assertion criteria provided. Collection method: clinical testing. Allele origin: germline. Affected: yes. Not counted in ClinVar's aggregate classification.